The following is an entry in ClinVar:

NM_012250.6(RRAS2):c.449A>C (p.Lys150Thr)

Gene: RRAS2 (RAS related 2; minus strand). Cytogenetic location: 11p15.2.
Variant type: single nucleotide variant.
Coding change: c.449A>C on transcript NM_012250.6 (MANE Select); coding-DNA position 449, A replaced by C.
Protein change: p.Lys150Thr; replaces lysine 150 with threonine.
Molecular consequence: missense variant.
Genome position (GRCh38, 1-based): chr11:14,281,680, T>G on the plus strand (A>C on the coding strand, the complement: RRAS2 is on the minus strand). VCF-style: chr11-14281680-T-G. GRCh37 (hg19) VCF-style: chr11-14303226-T-G.
Other names: c.218A>C, p.Lys73Thr (NM_001102669.3, NM_001177315.2); c.344A>C, p.Lys115Thr (NM_001177314.2); short protein forms K115T, K150T, K73T.
Identifiers: ClinVar variation 2326347 (VCV002326347.3), dbSNP rs782092871, ClinGen allele CA5894267.
Genomic context (GRCh38, chr11:14,281,680, plus strand): 5'-TCATGGAAAGCTTGATCTACATTCATCCTAATCTTTGCTGATGCCTCCATGTATGTTACC[T>G]TAAGCTGCCGTGCTAACTGTTGTCCTTCTTCCTGTGTTACCTGAAATTCCAACAGTTATG-3'
Protein context (NP_036382.2, residues 140-160): EEGQQLARQL[Lys150Thr]VTYMEASAKI

ClinVar aggregate classification (germline): Uncertain significance. Review status: criteria provided, multiple submitters, no conflicts (2 of 4 stars). 2 submissions from 2 submitters: Uncertain significance (2). Last evaluated 2022-12-29.

Conditions:
RRAS2-related disorder. Also called: RRAS2-related condition.
Inborn genetic diseases. Identifiers: MedGen C0950123, MeSH D030342.

Allele frequency attached by ClinVar (database versions not stated): ExAC 0.00001; gnomAD exomes 0.00001; TOPMed 0.00001; gnomAD 0.00003.
gnomAD v4.1: 8 of 1,596,774 alleles (0.0005%); highest among the groups gnomAD compares: African/African-American, 0.0014%; no homozygotes.

Submissions (2):

PreventionGenetics, part of Exact Sciences
Classification: Uncertain significance for RRAS2-related condition. Last evaluated: 2022-12-29. Review status: criteria provided, single submitter. Criteria: ACMG Guidelines, 2015. Collection method: clinical testing. Allele origin: germline.
Comment: The RRAS2 c.449A>C variant is predicted to result in the amino acid substitution p.Lys150Thr. To our knowledge, this variant has not been reported in the literature. This variant is reported in 0.0048% of alleles in individuals of European (Non-Finnish) descent in gnomAD. At this time, the clinical significance of this variant is uncertain due to the absence of conclusive functional and genetic evidence.

Ambry Genetics
Classification: Uncertain significance for Inborn genetic diseases. Last evaluated: 2022-11-17. Review status: criteria provided, single submitter. Criteria: Ambry Variant Classification Scheme 2023. Collection method: clinical testing. Allele origin: germline.